The following is an entry in ClinVar:

NC_000016.10:g.56988927C>G

Gene: NLRC5 (NLR family CARD domain containing 5; plus strand). Cytogenetic location: 16q13.
Variant type: single nucleotide variant.
Genome position: GRCh38 VCF-style: chr16-56988927-C-G. GRCh37 (hg19) VCF-style: chr16-57022839-C-G.
Identifiers: ClinVar variation 102975 (VCV000102975.2), dbSNP rs199475961, ClinGen allele CA229941.
Genomic context (GRCh38, chr16:56,988,927, plus strand): 5'-CTGCCCCCTCCAGTCCCTCCTCTCCTTCCCTGCTCTCCCTCCTACCTCTTTCCATCTCCC[C>G]CTTTCTGCCTGTGATTCCTCCTGTGACTGGGGCAAGATCCTTCACCTCTGTCCTCCCTGA-3'

ClinVar aggregate classification (germline): not provided (0 of 4 stars; one submission).

Allele frequency attached by ClinVar (database versions not stated): TOPMed 0.00002.

Submission:

Human Evolutionary Genetics, Institut Pasteur
No classification provided. Review status: no classification provided. Collection method: not provided. Allele origin: germline.
ClinVar note: Converted during submission from untested to not provided.